The following is an entry in ClinVar:

NM_017662.5(TRPM6):c.1354C>T (p.Arg452Trp)

Gene: TRPM6 (transient receptor potential cation channel subfamily M member 6; minus strand). Cytogenetic location: 9q21.13.
Variant type: single nucleotide variant.
Coding change: c.1354C>T on transcript NM_017662.5 (MANE Select); coding-DNA position 1354, C replaced by T.
Protein change: p.Arg452Trp; replaces arginine 452 with tryptophan.
Molecular consequence: missense variant.
Genome position (GRCh38, 1-based): chr9:74,812,388, G>A on the plus strand (C>T on the coding strand, the complement: TRPM6 is on the minus strand). VCF-style: chr9-74812388-G-A. GRCh37 (hg19) VCF-style: chr9-77427304-G-A.
Other names: c.1339C>T, p.Arg447Trp (NM_001177310.2, NM_001177311.2); short protein forms R447W, R452W.
Identifiers: ClinVar variation 1928522 (VCV001928522.5), dbSNP rs750286136, ClinGen allele CA5084859.

ClinVar aggregate classification (germline): Uncertain significance (1 of 4 stars; one submission).

Allele frequency attached by ClinVar (database versions not stated): ExAC 0.00001; gnomAD 0.00001; gnomAD exomes 0.00001.
gnomAD v4.1: 9 of 1,613,820 alleles (0.00056%); highest among the groups gnomAD compares: African/African-American, 0.0013%; no homozygotes.

Submission:

Labcorp Genetics (formerly Invitae), Labcorp
Classification: Uncertain significance. Last evaluated: 2025-06-12. Review status: criteria provided, single submitter. Criteria: Invitae Variant Classification Sherloc (09022015). Collection method: clinical testing. Allele origin: germline.
Comment: This sequence change replaces arginine, which is basic and polar, with tryptophan, which is neutral and slightly polar, at codon 452 of the TRPM6 protein (p.Arg452Trp). This variant is present in population databases (rs750286136, gnomAD 0.007%). This variant has not been reported in the literature in individuals affected with TRPM6-related conditions. ClinVar contains an entry for this variant (Variation ID: 1928522). Invitae Evidence Modeling of protein sequence and biophysical properties (such as structural, functional, and spatial information, amino acid conservation, physicochemical variation, residue mobility, and thermodynamic stability) indicates that this missense variant is expected to disrupt TRPM6 protein function with a positive predictive value of 80%. In summary, the available evidence is currently insufficient to determine the role of this variant in disease. Therefore, it has been classified as a Variant of Uncertain Significance.